The following is an entry in ClinVar:

NM_023015.5(INTS3):c.1700T>C (p.Ile567Thr)

Gene: INTS3 (integrator complex subunit 3; plus strand). Cytogenetic location: 1q21.3.
Variant type: single nucleotide variant.
Coding change: c.1700T>C on transcript NM_023015.5 (MANE Select); coding-DNA position 1700, T replaced by C.
Protein change: p.Ile567Thr; replaces isoleucine 567 with threonine.
Molecular consequence: missense variant.
Genome position (GRCh38, 1-based): chr1:153,763,296, T>C. VCF-style: chr1-153763296-T-C. GRCh37 (hg19) VCF-style: chr1-153735772-T-C.
Other names: c.1700T>C, p.Ile567Thr (NM_001324475.2); short protein forms I567T.
Identifiers: ClinVar variation 161766 (VCV000161766.2), dbSNP rs193920901, ClinGen allele CA174746.

ClinVar aggregate classification (germline): Uncertain significance (0 of 4 stars; one submission).

Conditions:
Prostate cancer. Also called: Malignant tumor of prostate. Identifiers: Orphanet 1331, MedGen C0376358, MONDO:0008315, HP:0012125.

Submission:

Science for Life laboratory,  Karolinska Institutet
Classification: Uncertain significance for Malignant tumor of prostate. Review status: no assertion criteria provided. Collection method: not provided. Allele origin: somatic.
Comment: TumorID:SWE-18
ClinVar note: Converted during submission from Unknown to Uncertain significance.